The following is an entry in ClinVar:

ClinVar aggregate classification (germline): Uncertain significance. Review status: criteria provided, multiple submitters, no conflicts (2 of 4 stars). 2 submissions from 2 submitters: Uncertain significance (2). Last evaluated 2025-01-09.

Submissions (2):

Labcorp Genetics (formerly Invitae), Labcorp
Classification: Uncertain significance. Last evaluated: 2025-01-09. Review status: criteria provided, single submitter. Criteria: Invitae Variant Classification Sherloc (09022015). Collection method: clinical testing. Allele origin: germline.
Comment: This sequence change replaces leucine, which is neutral and non-polar, with arginine, which is basic and polar, at codon 607 of the CACNA1E protein (p.Leu607Arg). This variant is not present in population databases (gnomAD no frequency). This variant has not been reported in the literature in individuals affected with CACNA1E-related conditions. Invitae Evidence Modeling of protein sequence and biophysical properties (such as structural, functional, and spatial information, amino acid conservation, physicochemical variation, residue mobility, and thermodynamic stability) has been performed for this missense variant. However, the output from this modeling did not meet the statistical confidence thresholds required to predict the impact of this variant on CACNA1E protein function. In summary, the available evidence is currently insufficient to determine the role of this variant in disease. Therefore, it has been classified as a Variant of Uncertain Significance.

GeneDx
Classification: Uncertain significance. Last evaluated: 2024-07-08. Review status: criteria provided, single submitter. Criteria: GeneDx Variant Classification Process June 2021. Collection method: clinical testing. Allele origin: germline. Affected: yes.
Comment: Not observed at significant frequency in large population cohorts (gnomAD); In silico analysis supports that this missense variant has a deleterious effect on protein structure/function; Has not been previously published as pathogenic or benign to our knowledge

NM_001205293.3(CACNA1E):c.1820T>G (p.Leu607Arg)

Gene: CACNA1E (calcium voltage-gated channel subunit alpha1 E; plus strand). Cytogenetic location: 1q25.3.
Variant type: single nucleotide variant.
Coding change: c.1820T>G on transcript NM_001205293.3 (MANE Select); coding-DNA position 1820, T replaced by G.
Protein change: p.Leu607Arg; replaces leucine 607 with arginine.
Molecular consequence: missense variant.
Genome position (GRCh38, 1-based): chr1:181,720,274, T>G. VCF-style: chr1-181720274-T-G. GRCh37 (hg19) VCF-style: chr1-181689410-T-G.
Other names: c.1820T>G, p.Leu607Arg (NM_000721.4, NM_001205294.2); short protein forms L607R.
Identifiers: ClinVar variation 3572692 (VCV003572692.3).
Genomic context (GRCh38, chr1:181,720,274, plus strand): 5'-CTTCCCTACGGAATTTGGTGGTCTCCTTGATGAGCTCAATGAAGTCTATCATCAGTTTGC[T>G]TTTCCTCCTCTTCCTCTTCATCGTTGTCTTTGCTCTCCTAGGAATGCAGTTATTTGGAGG-3'
Protein context (NP_001192222.1, residues 597-617): MSSMKSIISL[Leu607Arg]FLLFLFIVVF